The following is an entry in ClinVar:

NM_001042492.3(NF1):c.5074T>A (p.Tyr1692Asn)

Gene: NF1 (neurofibromin 1; plus strand). Cytogenetic location: 17q11.2.
Variant type: single nucleotide variant.
Coding change: c.5074T>A on transcript NM_001042492.3 (MANE Select); coding-DNA position 5074, T replaced by A.
Protein change: p.Tyr1692Asn; replaces tyrosine 1692 with asparagine.
Molecular consequence: missense variant.
Genome position (GRCh38, 1-based): chr17:31,326,058, T>A. VCF-style: chr17-31326058-T-A. GRCh37 (hg19) VCF-style: chr17-29653076-T-A.
Other names: c.5011T>A, p.Tyr1671Asn (NM_000267.4); short protein forms Y1692N, Y1671N.
Identifiers: ClinVar variation 825370 (VCV000825370.5), dbSNP rs1597829956, ClinGen allele CA399007453.

ClinVar aggregate classification (germline): Uncertain significance. Review status: criteria provided, multiple submitters, no conflicts (2 of 4 stars). 2 submissions from 2 submitters: Uncertain significance (2). Last evaluated 2025-11-12.

Conditions:
Hereditary cancer-predisposing syndrome. Also called: Neoplastic Syndromes, Hereditary; Hereditary Cancer Syndrome; Hereditary neoplastic syndrome; Tumor predisposition. Identifiers: Orphanet 140162, MedGen C0027672, MeSH D009386, MONDO:0015356.
Cardiovascular phenotype. Identifiers: MedGen CN230736.
Neurofibromatosis, type 1 (NF1). Also called: Neurofibromatosis, type I; Peripheral type neurofibromatosis; VON RECKLINGHAUSEN DISEASE; NEUROFIBROMATOSIS, TYPE I, SOMATIC. Identifiers: Orphanet 636, MedGen C0027831, MONDO:0018975, OMIM 162200. Disease mechanism: loss of function.

Submissions (2):

Labcorp Genetics (formerly Invitae), Labcorp
Classification: Uncertain significance for Neurofibromatosis, type 1. Last evaluated: 2025-11-12. Review status: criteria provided, single submitter. Criteria: Invitae Variant Classification Sherloc (09022015). Collection method: clinical testing. Allele origin: germline.
Comment: This sequence change replaces tyrosine, which is neutral and polar, with asparagine, which is neutral and polar, at codon 1671 of the NF1 protein (p.Tyr1671Asn). This variant is not present in population databases (gnomAD no frequency). This variant has not been reported in the literature in individuals affected with NF1-related conditions. ClinVar contains an entry for this variant (Variation ID: 825370). Invitae Evidence Modeling of protein sequence and biophysical properties (such as structural, functional, and spatial information, amino acid conservation, physicochemical variation, residue mobility, and thermodynamic stability) indicates that this missense variant is expected to disrupt NF1 protein function with a positive predictive value of 80%. In summary, the available evidence is currently insufficient to determine the role of this variant in disease. Therefore, it has been classified as a Variant of Uncertain Significance.

Ambry Genetics
Classification: Uncertain significance for Cardiovascular phenotype; Hereditary cancer-predisposing syndrome. Last evaluated: 2017-12-27. Review status: criteria provided, single submitter. Criteria: Ambry Variant Classification Scheme 2023. Collection method: clinical testing. Allele origin: germline.
Comment: The p.Y1671N variant (also known as c.5011T>A), located in coding exon 36 of the NF1 gene, results from a T to A substitution at nucleotide position 5011. The tyrosine at codon 1671 is replaced by asparagine, an amino acid with dissimilar properties. This amino acid position is highly conserved in available vertebrate species. In addition, this alteration is predicted to be deleterious by in silico analysis. Since supporting evidence is limited at this time, the clinical significance of this alteration remains unclear.